The following is an entry in ClinVar:

NM_003836.7(DLK1):c.779G>A (p.Ser260Asn)

Gene: DLK1 (delta like non-canonical Notch ligand 1; plus strand). Cytogenetic location: 14q32.2.
Variant type: single nucleotide variant.
Coding change: c.779G>A on transcript NM_003836.7 (MANE Select); coding-DNA position 779, G replaced by A.
Protein change: p.Ser260Asn; replaces serine 260 with asparagine.
Molecular consequence: missense variant. On other transcripts: intron variant (1).
Genome position (GRCh38, 1-based): chr14:100,734,523, G>A. VCF-style: chr14-100734523-G-A. GRCh37 (hg19) VCF-style: chr14-101200860-G-A.
Other names: c.684+95G>A (NM_001317172.2); short protein forms S260N.
Identifiers: ClinVar variation 3058911 (VCV003058911.2), dbSNP rs1058009, ClinGen allele CA7346715.
Genomic context (GRCh38, chr14:100,734,523, plus strand): 5'-CAGGTCTCACCTGTGTCAAGAAGCGCGCGCTGAGCCCCCAGCAGGTCACCCGTCTGCCCA[G>A]CGGCTATGGGCTGGCCTACCGCCTGACCCCTGGGGTGCACGAGCTGCCGGTGCAGCAGCC-3'
Protein context (NP_003827.4, residues 250-270): LSPQQVTRLP[Ser260Asn]GYGLAYRLTP

ClinVar aggregate classification (germline): Benign (0 of 4 stars; one submission).

Conditions:
DLK1-related disorder. Also called: DLK1-related condition.

Allele frequency attached by ClinVar (database versions not stated): TOPMed 0.04957; ESP Exome Variant Server 0.05215; 1000 Genomes Project 30x 0.05309; 1000 Genomes Project 0.05551; gnomAD 0.05554; gnomAD exomes 0.06732; ExAC 0.07209.
gnomAD v4.1: 106,602 of 1,611,662 alleles (6.6%); highest among the groups gnomAD compares: South Asian, 13%; 4,110 homozygotes.

Submission:

PreventionGenetics, part of Exact Sciences
Classification: Benign for DLK1-related condition. Last evaluated: 2019-12-02. Review status: no assertion criteria provided. Collection method: clinical testing. Allele origin: germline.
Comment: This variant is classified as benign based on ACMG/AMP sequence variant interpretation guidelines (Richards et al. 2015 PMID: 25741868, with internal and published modifications).